The following is an entry in ClinVar:

NM_017780.4(CHD7):c.2934G>A (p.Trp978Ter)

Gene: CHD7 (chromodomain helicase DNA binding protein 7; plus strand). Cytogenetic location: 8q12.2.
Variant type: single nucleotide variant.
Coding change: c.2934G>A on transcript NM_017780.4 (MANE Select); coding-DNA position 2934, G replaced by A.
Protein change: p.Trp978Ter; replaces tryptophan 978 with a stop codon.
Molecular consequence: nonsense. On other transcripts: intron variant (1).
Genome position (GRCh38, 1-based): chr8:60,822,122, G>A. VCF-style: chr8-60822122-G-A. GRCh37 (hg19) VCF-style: chr8-61734681-G-A.
Other names: c.1717-40107G>A (NM_001316690.1); short protein forms W978*.
Identifiers: ClinVar variation 5010132 (VCV005010132.1).
Genomic context (GRCh38, chr8:60,822,122, plus strand): 5'-TTCCAGGGAGTATAAAAACAATAACAAACTCAGGGAATACCAGTTGGAGGGAGTAAACTG[G>A]CTACTTTTCAATTGGTACAACATGTATGTAAAACAAGTTTTTCTTCACTTTTAAATATAT-3'

ClinVar aggregate classification (germline): Pathogenic (1 of 4 stars; one submission).

Conditions:
Paediatric disorders.

Submission:

North West Genomic Laboratory Hub, Manchester University NHS Foundation Trust
Classification: Pathogenic for Paediatric disorders. Last evaluated: 2025-11-27. Review status: criteria provided, single submitter. Criteria: ACGS Best Practice Guidelines for Variant Classification in Rare Disease 2024. Collection method: clinical testing. Allele origin: germline. Affected: yes.
Comment: PM2_Mod PS2_Mod PVS1_VStr